The following is an entry in ClinVar:

ClinVar aggregate classification (germline): Conflicting classifications of pathogenicity. Review status: criteria provided, conflicting classifications (1 of 4 stars). 2 submissions from 2 submitters: Uncertain significance (1); Likely benign (1). Last evaluated 2022-12-23.

Conditions:
Alzheimer disease. Also called: Presenile and senile dementia; Alzheimer's disease. Identifiers: Orphanet 1020, MedGen C0002395, MeSH D000544, MONDO:0004975, HP:0002511.
Hereditary cerebral hemorrhage with amyloidosis. Also called: Cerebral Amyloid Angiopathy, Hereditary. Identifiers: Orphanet 85458, MedGen C1510489, MONDO:0005620.

Allele frequency attached by ClinVar (database versions not stated): gnomAD 0.00001; gnomAD exomes 0.00002.

Submissions (2):

Molecular Genetics, Royal Melbourne Hospital
Classification: Uncertain significance for Hereditary cerebral hemorrhage with amyloidosis. Last evaluated: 2022-12-23. Review status: criteria provided, single submitter. Criteria: ACMG Guidelines, 2015. Collection method: clinical testing. Allele origin: germline. Affected: yes.
Comment: This sequence change in APP is predicted to replace glycine with arginine at codon 657, p.(Gly657Arg). The glycine residue is moderately conserved (82/89 vertebrates, UCSC), and is located adjacent to a glycosylation site in an extracellular domain. There is a large physicochemical difference between glycine and arginine. This variant is present in a single individual from the African/African American population in the population database gnomAD v2.1 and v3.1. This variant has been detected in at least one proband with a clinical diagnosis of Alzheimer's disease and cerebral amyloid angiopathy (Royal Melbourne Hospital) and an individual with possible frontotemporal dementia (PMID: 30279455). Multiple lines of computational evidence have conflicting predictions for the missense substitution (4/6 algorithms predict deleterious). Based on the classification scheme RMH Modified ACMG Guidelines v1.5.1, this variant is classified as a VARIANT OF UNCERTAIN SIGNIFICANCE. Following criteria are met: PS4_Supporting, PM2_Supporting.

Labcorp Genetics (formerly Invitae), Labcorp
Classification: Likely benign for Alzheimer disease. Last evaluated: 2022-12-02. Review status: criteria provided, single submitter. Criteria: Invitae Variant Classification Sherloc (09022015). Collection method: clinical testing. Allele origin: germline.

Literature cited by the submitters: PubMed 30279455 (cited by Molecular Genetics, Royal Melbourne Hospital).

NM_000484.4(APP):c.1969G>A (p.Gly657Arg)

Gene: APP (amyloid beta precursor protein; minus strand). Cytogenetic location: 21q21.3.
Variant type: single nucleotide variant.
Coding change: c.1969G>A on transcript NM_000484.4 (MANE Select); coding-DNA position 1969, G replaced by A.
Protein change: p.Gly657Arg; replaces glycine 657 with arginine.
Molecular consequence: missense variant.
Genome position (GRCh38, 1-based): chr21:25,897,668, C>T on the plus strand (G>A on the coding strand, the complement: APP is on the minus strand). VCF-style: chr21-25897668-C-T. GRCh37 (hg19) VCF-style: chr21-27269980-C-T.
Other names: c.1897G>A, p.Gly633Arg (NM_001136016.3); c.1576G>A, p.Gly526Arg (NM_001136129.3); c.1801G>A, p.Gly601Arg (NM_001136130.3, NM_001385253.1); c.1639G>A, p.Gly547Arg (NM_001136131.3); c.1915G>A, p.Gly639Arg (NM_001204301.2); c.1858G>A, p.Gly620Arg (NM_001204302.2); c.1690G>A, p.Gly564Arg (NM_001204303.2); c.1912G>A, p.Gly638Arg (NM_201413.3); and 1 more; short protein forms G526R, G564R, G639R, G638R, G601R, G620R, G633R, G657R.
Identifiers: ClinVar variation 2047418 (VCV002047418.5), dbSNP rs1305531440, ClinGen allele CA409806586.